The following is an entry in ClinVar:

ClinVar aggregate classification (germline): Benign. Review status: criteria provided, multiple submitters, no conflicts (2 of 4 stars). 11 submissions from 11 submitters: Benign (9). 2 of the submissions do not count toward it. Last evaluated 2026-02-04.

Conditions:
CBL-related disorder. Also called: NOONAN SYNDROME-LIKE DISORDER WITHOUT JUVENILE MYELOMONOCYTIC LEUKEMIA; CBL MUTATION-ASSOCIATED SYNDROME; CBL SYNDROME. Identifiers: Orphanet 363972, MedGen C3150803, MONDO:0013308, OMIM 613563.
RASopathy. Also called: rasopathies; Noonan spectrum disorder. Identifiers: Orphanet 536391, MedGen C5555857, MONDO:0021060.
Juvenile myelomonocytic leukemia (JMML). Also called: LEUKEMIA, JUVENILE MYELOMONOCYTIC, SOMATIC. Identifiers: Orphanet 86834, MedGen C0349639, MONDO:0011908, OMIM 607785, HP:0012209.

Allele frequency attached by ClinVar (database versions not stated): gnomAD exomes 0.58772; ExAC 0.60112; gnomAD 0.61865 and 0.62474; TOPMed 0.62183; ESP Exome Variant Server 0.62458; 1000 Genomes Project 30x 0.72314; 1000 Genomes Project 0.72863.
gnomAD v4.1: 859,474 of 1,511,976 alleles (57%); highest among the groups gnomAD compares: East Asian, 87%; 252,123 homozygotes.

Submissions (11):

Labcorp Genetics (formerly Invitae), Labcorp
Classification: Benign for RASopathy. Last evaluated: 2026-02-04. Review status: criteria provided, single submitter. Criteria: Invitae Variant Classification Sherloc (09022015). Collection method: clinical testing. Allele origin: germline.

ARUP Laboratories, Molecular Genetics and Genomics, ARUP Laboratories
Classification: Benign. Last evaluated: 2025-07-30. Review status: criteria provided, single submitter. Criteria: ARUP Molecular Germline Variant Investigation Process 2024. Collection method: clinical testing. Allele origin: germline.

Blueprint Genetics
Classification: Benign. Last evaluated: 2024-11-27. Review status: criteria provided, single submitter. Criteria: ACMG Guidelines, 2015. Collection method: clinical testing. Allele origin: germline.

KCCC/NGS Laboratory, Kuwait Cancer Control Center
Classification: Benign for Juvenile myelomonocytic leukemia. Last evaluated: 2023-07-07. Review status: criteria provided, single submitter. Criteria: ACMG Guidelines, 2015. Collection method: clinical testing. Allele origin: germline. Affected: yes.

Genome-Nilou Lab
Classification: Benign for CBL-related disorder. Last evaluated: 2021-07-14. Review status: criteria provided, single submitter. Criteria: ACMG Guidelines, 2015. Collection method: clinical testing. Allele origin: germline. Affected: no.

Women's Health and Genetics/Laboratory Corporation of America, LabCorp
Classification: Benign. Last evaluated: 2019-08-12. Review status: criteria provided, single submitter. Criteria: LabCorp Variant Classification Summary - May 2015. Collection method: clinical testing. Allele origin: germline.
Comment: Variant summary: CBL c.1095+19G>T alters a non-conserved nucleotide located close to a canonical splice site and therefore could affect mRNA splicing, leading to a significantly altered protein sequence. 5/5 computational tools predict no significant impact on normal splicing. However, these predictions have yet to be confirmed by functional studies. The variant allele was found at a frequency of 0.59 in 250970 control chromosomes, suggesting that it is the major allele and therefore benign. No clinical diagnostic laboratories have submitted clinical-significance assessments for this variant to ClinVar after 2014. Based on the evidence outlined above, the variant was classified as benign.

GeneDx
Classification: Benign for Rasopathy. Last evaluated: 2012-01-09. Review status: criteria provided, single submitter. Criteria: GeneDx Variant Classification (06012015). Collection method: clinical testing. Allele origin: germline. Affected: yes.
Comment: The variant is found in NOONAN panel(s).

Breakthrough Genomics
Classification: Benign. Review status: criteria provided, single submitter. Criteria: ACMG Guidelines, 2015. Collection method: not provided. Allele origin: germline. Inheritance: Autosomal dominant inheritance. Affected: yes.

PreventionGenetics, part of Exact Sciences
Classification: Benign. Review status: criteria provided, single submitter. Criteria: ACMG Guidelines, 2015. Collection method: clinical testing. Allele origin: germline.

Clinical Genetics, Academic Medical Center
Classification: Benign. Review status: no assertion criteria provided. Collection method: clinical testing. Allele origin: germline. Affected: yes. Study: VKGL Data-share Consensus. Not counted in ClinVar's aggregate classification.

Diagnostic Laboratory, Department of Genetics, University Medical Center Groningen
Classification: Benign for CBL-related disorder. Review status: no assertion criteria provided. Collection method: clinical testing. Allele origin: germline. Affected: yes. Study: VKGL Data-share Consensus. Not counted in ClinVar's aggregate classification.

Literature cited by the submitters: PubMed 20951944 (cited by Women's Health and Genetics/Laboratory Corporation of America, LabCorp); PubMed 19620960 (cited by Women's Health and Genetics/Laboratory Corporation of America, LabCorp); PubMed 29296819 (cited by Women's Health and Genetics/Laboratory Corporation of America, LabCorp); PubMed 27069254 (cited by Women's Health and Genetics/Laboratory Corporation of America, LabCorp).

NM_005188.4(CBL):c.1095+19G>T

Gene: CBL (Cbl proto-oncogene; plus strand). Cytogenetic location: 11q23.3.
Variant type: single nucleotide variant.
Coding change: c.1095+19G>T on transcript NM_005188.4 (MANE Select); 19 bases into the intron after coding-DNA position 1095, G replaced by T.
Molecular consequence: intron variant.
Genome position (GRCh38, 1-based): chr11:119,277,863, G>T. VCF-style: chr11-119277863-G-T. GRCh37 (hg19) VCF-style: chr11-119148573-G-T.
Identifiers: ClinVar variation 55796 (VCV000055796.30), dbSNP rs2510152, ClinGen allele CA284661.